The following is an entry in ClinVar:

ClinVar aggregate classification (germline): Uncertain significance. Review status: criteria provided, multiple submitters, no conflicts (2 of 4 stars). 3 submissions from 3 submitters: Uncertain significance (3). Last evaluated 2024-07-23.

Conditions:
Aortic aneurysm, familial thoracic 4 (AAT4). Also called: AORTIC ANEURYSM/AORTIC DISSECTION AND PATENT DUCTUS ARTERIOSUS. Identifiers: MedGen C1851504, MONDO:0007568, OMIM 132900.
Familial thoracic aortic aneurysm and aortic dissection (TAAD). Also called: Thoracic aortic aneurysms and dissections. Identifiers: Orphanet 91387, MedGen C4707243, MONDO:0019625.

Allele frequency attached by ClinVar (database versions not stated): gnomAD exomes 0.00001; ExAC 0.00002.
gnomAD v4.1: 9 of 1,614,124 alleles (0.00056%); highest among the groups gnomAD compares: Non-Finnish European, 0.00076%; no homozygotes.

Submissions (3):

Labcorp Genetics (formerly Invitae), Labcorp
Classification: Uncertain significance for Aortic aneurysm, familial thoracic 4. Last evaluated: 2024-07-23. Review status: criteria provided, single submitter. Criteria: Invitae Variant Classification Sherloc (09022015). Collection method: clinical testing. Allele origin: germline.
Comment: This sequence change replaces serine, which is neutral and polar, with proline, which is neutral and non-polar, at codon 1319 of the MYH11 protein (p.Ser1319Pro). This variant is present in population databases (rs766001513, gnomAD 0.002%). This variant has not been reported in the literature in individuals affected with MYH11-related conditions. ClinVar contains an entry for this variant (Variation ID: 924918). Advanced modeling of protein sequence and biophysical properties (such as structural, functional, and spatial information, amino acid conservation, physicochemical variation, residue mobility, and thermodynamic stability) performed at Invitae indicates that this missense variant is not expected to disrupt MYH11 protein function with a negative predictive value of 95%. In summary, the available evidence is currently insufficient to determine the role of this variant in disease. Therefore, it has been classified as a Variant of Uncertain Significance.

Color Diagnostics, LLC DBA Color Health
Classification: Uncertain significance for Familial thoracic aortic aneurysm and aortic dissection. Last evaluated: 2024-03-06. Review status: criteria provided, single submitter. Criteria: ACMG Guidelines, 2015. Collection method: clinical testing. Allele origin: germline.
Comment: This missense variant replaces serine with proline at codon 1319 of the MYH11 protein. Computational prediction is inconclusive regarding the impact of this variant on protein structure and function (internally defined REVEL score threshold 0.5 < inconclusive < 0.7, PMID: 27666373). To our knowledge, functional studies have not been reported for this variant. This variant has not been reported in individuals affected with MYH11-related disorders in the literature. This variant has been identified in 2/251298 chromosomes in the general population by the Genome Aggregation Database (gnomAD). The available evidence is insufficient to determine the role of this variant in disease conclusively. Therefore, this variant is classified as a Variant of Uncertain Significance.

All of Us Research Program, National Institutes of Health
Classification: Uncertain significance for Familial thoracic aortic aneurysm and aortic dissection. Last evaluated: 2023-11-02. Review status: criteria provided, single submitter. Criteria: ACMG Guidelines, 2015. Collection method: clinical testing. Allele origin: germline. Inheritance: Autosomal dominant inheritance. Observed: 1 variant allele, 1 heterozygote.
Comment: Variant of Uncertain Significance due to insufficient evidence: This missense variant replaces serine with proline at codon 1319 of the MYH11 protein. Computational prediction tools and conservation analyses suggest that this variant may have deleterious impact on the protein function. Computational splicing tools suggest that this variant may not impact RNA splicing. To our knowledge, functional assays have not been performed for this variant nor has this variant been reported in individuals affected with cardiovascular disorders in the literature. This variant has been identified in 2/251298 chromosomes in the general population by the Genome Aggregation Database (gnomAD). Available evidence is insufficient to determine the role of this variant in disease conclusively.

This study involves interpretation of variants in research participants for the purpose of population health screening. Participant phenotype was not available at the time of variant classification. Additional details can be found in publication PMID: 35346344, PMCID: PMC8962531

NM_002474.3(MYH11):c.3934T>C (p.Ser1312Pro)

Genes: NDE1 (nudE neurodevelopment protein 1; plus strand), MYH11 (myosin heavy chain 11; minus strand). Cytogenetic location: 16p13.11.
Variant type: single nucleotide variant.
Coding change: c.3934T>C on transcript NM_002474.3 (MANE Select); coding-DNA position 3934, T replaced by C.
Protein change: p.Ser1312Pro; replaces serine 1312 with proline.
Molecular consequence: missense variant. On other transcripts: 3 prime UTR variant (2).
Genome position (GRCh38, 1-based): chr16:15,724,917, A>G on the plus strand (T>C on the coding strand, the complement: MYH11 is on the minus strand). VCF-style: chr16-15724917-A-G. GRCh37 (hg19) VCF-style: chr16-15818774-A-G.
Other names: c.3955T>C, p.Ser1319Pro (NM_001040113.2, NM_001040114.2); c.3934T>C, p.Ser1312Pro (NM_022844.3); c.*666A>G (NM_001143979.2, NM_017668.3); short protein forms S1312P, S1319P.
Identifiers: ClinVar variation 924918 (VCV000924918.9), dbSNP rs766001513, ClinGen allele CA7921833.